The following is an entry in ClinVar:

NM_031220.4(PITPNM3):c.2804C>T (p.Pro935Leu)

Gene: PITPNM3 (PITPNM family member 3; minus strand). Cytogenetic location: 17p13.2.
Variant type: single nucleotide variant.
Coding change: c.2804C>T on transcript NM_031220.4 (MANE Select); coding-DNA position 2804, C replaced by T.
Protein change: p.Pro935Leu; replaces proline 935 with leucine.
Molecular consequence: missense variant.
Genome position (GRCh38, 1-based): chr17:6,455,459, G>A on the plus strand (C>T on the coding strand, the complement: PITPNM3 is on the minus strand). VCF-style: chr17-6455459-G-A. GRCh37 (hg19) VCF-style: chr17-6358779-G-A.
Other names: c.2804C>T (NM_031220.3); c.2696C>T, p.Pro899Leu (NM_001165966.2); short protein forms P935L, P899L.
Identifiers: ClinVar variation 2869268 (VCV002869268.4), dbSNP rs768207237, ClinGen allele CA8329013.

ClinVar aggregate classification (germline): Uncertain significance. Review status: criteria provided, multiple submitters, no conflicts (2 of 4 stars). 2 submissions from 2 submitters: Uncertain significance (2). Last evaluated 2025-01-10.

Allele frequency attached by ClinVar (database versions not stated): ExAC 0.00001.

Submissions (2):

Ambry Genetics
Classification: Uncertain significance. Last evaluated: 2025-01-10. Review status: criteria provided, single submitter. Criteria: Ambry Variant Classification Scheme 2023. Collection method: clinical testing. Allele origin: germline.

Labcorp Genetics (formerly Invitae), Labcorp
Classification: Uncertain significance. Last evaluated: 2022-12-17. Review status: criteria provided, single submitter. Criteria: Invitae Variant Classification Sherloc (09022015). Collection method: clinical testing. Allele origin: germline.
Comment: This sequence change replaces proline, which is neutral and non-polar, with leucine, which is neutral and non-polar, at codon 935 of the PITPNM3 protein (p.Pro935Leu). This variant is not present in population databases (gnomAD no frequency). This variant has not been reported in the literature in individuals affected with PITPNM3-related conditions. Algorithms developed to predict the effect of missense changes on protein structure and function are either unavailable or do not agree on the potential impact of this missense change (SIFT: "Deleterious"; PolyPhen-2: "Probably Damaging"; Align-GVGD: "Class C0"). In summary, the available evidence is currently insufficient to determine the role of this variant in disease. Therefore, it has been classified as a Variant of Uncertain Significance.